The following is an entry in ClinVar:

NM_019066.5(MAGEL2):c.2148T>C (p.Thr716=)

Gene: MAGEL2 (MAGE family member L2; minus strand). Cytogenetic location: 15q11.2.
Variant type: single nucleotide variant.
Coding change: c.2148T>C on transcript NM_019066.5 (MANE Select); coding-DNA position 2148, T replaced by C.
Protein change: p.Thr716=; no amino-acid change (threonine 716 retained).
Molecular consequence: synonymous variant.
Genome position (GRCh38, 1-based): chr15:23,645,595, A>G on the plus strand (T>C on the coding strand, the complement: MAGEL2 is on the minus strand). VCF-style: chr15-23645595-A-G. GRCh37 (hg19) VCF-style: chr15-23890742-A-G.
Identifiers: ClinVar variation 4281148 (VCV004281148.7).

ClinVar aggregate classification (germline): Likely benign (1 of 4 stars; one submission).

gnomAD v4.1: 9 of 1,604,738 alleles (0.00056%); highest among the groups gnomAD compares: Non-Finnish European, 0.00077%; no homozygotes.

Submission:

CeGaT Center for Human Genetics Tuebingen
Classification: Likely benign. Last evaluated: 2025-09-01. Review status: criteria provided, single submitter. Criteria: CeGaT Center For Human Genetics Tuebingen Variant Classification Criteria Version 2. Collection method: clinical testing. Allele origin: germline. Affected: yes. Observed: 1 variant allele.
Comment: MAGEL2: BP4, BP7